The following is an entry in ClinVar:

ClinVar aggregate classification (germline): Uncertain significance (1 of 4 stars; one submission).

Allele frequency attached by ClinVar (database versions not stated): gnomAD exomes below 0.00001; TOPMed below 0.00001; ExAC 0.00003.
gnomAD v4.1: 2 of 1,581,462 alleles (0.00013%); highest among the groups gnomAD compares: Admixed American, 0.0036%; no homozygotes.

Submission:

Labcorp Genetics (formerly Invitae), Labcorp
Classification: Uncertain significance. Last evaluated: 2022-08-15. Review status: criteria provided, single submitter. Criteria: Invitae Variant Classification Sherloc (09022015). Collection method: clinical testing. Allele origin: germline.
Comment: This sequence change replaces aspartic acid, which is acidic and polar, with asparagine, which is neutral and polar, at codon 1433 of the MYO18B protein (p.Asp1433Asn). The frequency data for this variant in the population databases is considered unreliable, as metrics indicate poor data quality at this position in the gnomAD database. This variant has not been reported in the literature in individuals affected with MYO18B-related conditions. ClinVar contains an entry for this variant (Variation ID: 1507464). Algorithms developed to predict the effect of missense changes on protein structure and function are either unavailable or do not agree on the potential impact of this missense change (SIFT: "Not Available"; PolyPhen-2: "Probably Damaging"; Align-GVGD: "Not Available"). In summary, the available evidence is currently insufficient to determine the role of this variant in disease. Therefore, it has been classified as a Variant of Uncertain Significance.

NM_032608.7(MYO18B):c.4297G>A (p.Asp1433Asn)

Gene: MYO18B (myosin XVIIIB; plus strand). Cytogenetic location: 22q12.1.
Variant type: single nucleotide variant.
Coding change: c.4297G>A on transcript NM_032608.7 (MANE Select); coding-DNA position 4297, G replaced by A.
Protein change: p.Asp1433Asn; replaces aspartic acid 1433 with asparagine.
Molecular consequence: missense variant.
Genome position (GRCh38, 1-based): chr22:25,878,031, G>A. VCF-style: chr22-25878031-G-A. GRCh37 (hg19) VCF-style: chr22-26273998-G-A.
Other names: c.4300G>A, p.Asp1434Asn (NM_001318245.2); short protein forms D1434N, D1433N.
Identifiers: ClinVar variation 1507464 (VCV001507464.5), dbSNP rs781490943, ClinGen allele CA10160827.